The following is an entry in ClinVar:

NM_032119.4(ADGRV1):c.11518G>T (p.Glu3840Ter)

Gene: ADGRV1 (adhesion G protein-coupled receptor V1; plus strand). Cytogenetic location: 5q14.3.
Variant type: single nucleotide variant.
Coding change: c.11518G>T on transcript NM_032119.4 (MANE Select); coding-DNA position 11518, G replaced by T.
Protein change: p.Glu3840Ter; replaces glutamic acid 3840 with a stop codon.
Molecular consequence: nonsense. On other transcripts: non-coding transcript variant (1).
Genome position (GRCh38, 1-based): chr5:90,755,123, G>T. VCF-style: chr5-90755123-G-T. GRCh37 (hg19) VCF-style: chr5-90050940-G-T.
Other names: short protein forms E3840*.
Identifiers: ClinVar variation 2829545 (VCV002829545.3), dbSNP rs1755691727, ClinGen allele CA360367067.

ClinVar aggregate classification (germline): Pathogenic (1 of 4 stars; one submission).

Allele frequency attached by ClinVar (database versions not stated): TOPMed below 0.00001.

Submission:

Labcorp Genetics (formerly Invitae), Labcorp
Classification: Pathogenic. Last evaluated: 2023-02-18. Review status: criteria provided, single submitter. Criteria: Invitae Variant Classification Sherloc (09022015). Collection method: clinical testing. Allele origin: germline.
Comment: This sequence change creates a premature translational stop signal (p.Glu3840*) in the ADGRV1 gene. It is expected to result in an absent or disrupted protein product. Loss-of-function variants in ADGRV1 are known to be pathogenic (PMID: 19357117, 22135276, 22147658, 26226137, 30718709, 31047384, 32467589). This variant is not present in population databases (gnomAD no frequency). This variant has not been reported in the literature in individuals affected with ADGRV1-related conditions. For these reasons, this variant has been classified as Pathogenic.

Literature cited by the submitters: PubMed 19357117; PubMed 22135276; PubMed 22147658; PubMed 26226137; PubMed 30718709; PubMed 31047384; PubMed 32467589.